The following is an entry in ClinVar:

NC_000012.11:g.(122281739_122284767)_(122287697_122292608)del

Gene: HPD (4-hydroxyphenylpyruvate dioxygenase; minus strand). Cytogenetic location: 12q24.31.
Variant type: Deletion.
Identifiers: ClinVar variation 2573486 (VCV002573486.1).

ClinVar aggregate classification (germline): Uncertain significance (1 of 4 stars; one submission).

Submission:

Women's Health and Genetics/Laboratory Corporation of America, LabCorp
Classification: Uncertain significance. Last evaluated: 2023-06-27. Review status: criteria provided, single submitter. Criteria: LabCorp Variant Classification Summary - May 2015. Collection method: clinical testing. Allele origin: germline.
Comment: Variant summary: The variant identified by MLPA or other technology involves the deletion of exons 8-11 in the HPD gene. A presumed nomenclature of c.(414+1_415-1)_(831+1_832-1)del has been designated for the purposes of this classification. Although exact breakpoints of this deletion are not known, it is expected to result in an in-frame deletion in the HPD gene, a potential mechanism of disease. The variant was absent in 21662 control chromosomes (gnomAD). To our knowledge, no occurrence of c.(414+1_415-1)_(831+1_832-1)del in individuals affected with Tyrosinemia Type 3 and no experimental evidence demonstrating its impact on protein function have been reported; however at least one variant in this region has been observed in affected individuals (c.722A>G, p.Asn241Ser), suggesting it could be important for protein function. One submitter has provided a clinical-significance assessment for this variant to ClinVar after 2014 and classified the variant as uncertain significance. Based on the evidence outlined above, the variant was classified as VUS-possibly pathogenic until further clinical and/or functional evidence becomes available.